The following is an entry in ClinVar:

ClinVar aggregate classification (germline): Pathogenic (1 of 4 stars; one submission).

Submission:

Labcorp Genetics (formerly Invitae), Labcorp
Classification: Pathogenic. Last evaluated: 2025-07-22. Review status: criteria provided, single submitter. Criteria: Invitae Variant Classification Sherloc (09022015). Collection method: clinical testing. Allele origin: germline.
Comment: This sequence change creates a premature translational stop signal (p.Ser301*) in the LEMD3 gene. It is expected to result in an absent or disrupted protein product. Loss-of-function variants in LEMD3 are known to be pathogenic (PMID: 15489854, 19438932). This variant is not present in population databases (gnomAD no frequency). This variant has not been reported in the literature in individuals affected with LEMD3-related conditions. For these reasons, this variant has been classified as Pathogenic.

Literature cited by the submitters: PubMed 15489854; PubMed 19438932.

NM_014319.5(LEMD3):c.902C>A (p.Ser301Ter)

Gene: LEMD3 (LEM domain containing 3; plus strand). Cytogenetic location: 12q14.3.
Variant type: single nucleotide variant.
Coding change: c.902C>A on transcript NM_014319.5 (MANE Select); coding-DNA position 902, C replaced by A.
Protein change: p.Ser301Ter; replaces serine 301 with a stop codon.
Molecular consequence: nonsense.
Genome position (GRCh38, 1-based): chr12:65,170,498, C>A. VCF-style: chr12-65170498-C-A. GRCh37 (hg19) VCF-style: chr12-65564278-C-A.
Other names: c.902C>A, p.Ser301Ter (NM_001167614.2); short protein forms S301*.
Identifiers: ClinVar variation 4723392 (VCV004723392.1).